The following is an entry in ClinVar:

NM_020207.7(ERCC6L2):c.1699G>A (p.Val567Ile)

Gene: ERCC6L2 (ERCC excision repair 6 like 2; plus strand). Cytogenetic location: 9q22.32.
Variant type: single nucleotide variant.
Coding change: c.1699G>A on transcript NM_020207.7 (MANE Select); coding-DNA position 1699, G replaced by A.
Protein change: p.Val567Ile; replaces valine 567 with isoleucine.
Molecular consequence: missense variant. On other transcripts: non-coding transcript variant (1).
Genome position (GRCh38, 1-based): chr9:95,928,812, G>A. VCF-style: chr9-95928812-G-A. GRCh37 (hg19) VCF-style: chr9-98691094-G-A.
Other names: c.1699G>A, p.Val567Ile (NM_001010895.4, NM_001375291.1, NM_001375292.1 and 2 more transcripts); short protein forms V567I.
Identifiers: ClinVar variation 4618762 (VCV004618762.1).

ClinVar aggregate classification (germline): Uncertain significance (1 of 4 stars; one submission).

Conditions:
Inborn genetic diseases. Identifiers: MedGen C0950123, MeSH D030342.

gnomAD v4.1: 1 of 1,612,682 alleles (0.000062%); highest among the groups gnomAD compares: Non-Finnish European, 0.000085%; no homozygotes.

Submission:

Ambry Genetics
Classification: Uncertain significance for Inborn genetic diseases. Last evaluated: 2025-11-15. Review status: criteria provided, single submitter. Criteria: Ambry Variant Classification Scheme 2023. Collection method: clinical testing. Allele origin: germline.
Comment: The p.V567I variant (also known as c.1699G>A), located in coding exon 11 of the ERCC6L2 gene, results from a G to A substitution at nucleotide position 1699. The valine at codon 567 is replaced by isoleucine, an amino acid with highly similar properties. This amino acid position is conserved. In addition, the in silico prediction for this alteration is inconclusive. Based on the available evidence, the clinical significance of this variant remains unclear.